The following is an entry in ClinVar:

NM_000057.4(BLM):c.1851A>G (p.Ile617Met)

Gene: BLM (BLM RecQ like helicase; plus strand). Cytogenetic location: 15q26.1.
Variant type: single nucleotide variant.
Coding change: c.1851A>G on transcript NM_000057.4 (MANE Select); coding-DNA position 1851, A replaced by G.
Protein change: p.Ile617Met; replaces isoleucine 617 with methionine.
Molecular consequence: missense variant.
Genome position (GRCh38, 1-based): chr15:90,761,224, A>G. VCF-style: chr15-90761224-A-G. GRCh37 (hg19) VCF-style: chr15-91304454-A-G.
Other names: c.1851A>G, p.Ile617Met (NM_001287246.2, NM_001287247.2); c.726A>G, p.Ile242Met (NM_001287248.2); short protein forms I242M, I617M.
Identifiers: ClinVar variation 4622345 (VCV004622345.1).

ClinVar aggregate classification (germline): Uncertain significance (1 of 4 stars; one submission).

Conditions:
Hereditary cancer-predisposing syndrome. Also called: Neoplastic Syndromes, Hereditary; Tumor predisposition; Hereditary Cancer Syndrome; Hereditary neoplastic syndrome. Identifiers: Orphanet 140162, MedGen C0027672, MeSH D009386, MONDO:0015356.

gnomAD v4.1: 1 of 1,535,850 alleles (0.000065%); highest among the groups gnomAD compares: Non-Finnish European, 0.000087%; no homozygotes.

Submission:

Ambry Genetics
Classification: Uncertain significance for Hereditary cancer-predisposing syndrome. Last evaluated: 2025-10-22. Review status: criteria provided, single submitter. Criteria: Ambry Variant Classification Scheme 2023. Collection method: clinical testing. Allele origin: germline.
Comment: The p.I617M variant (also known as c.1851A>G), located in coding exon 6 of the BLM gene, results from an A to G substitution at nucleotide position 1851. The isoleucine at codon 617 is replaced by methionine, an amino acid with highly similar properties. This amino acid position is conserved. In addition, this alteration is predicted to be tolerated by in silico analysis. Based on the available evidence, the clinical significance of this variant remains unclear.